The following is an entry in ClinVar:

ClinVar aggregate classification (germline): Likely benign (1 of 4 stars; one submission).

Conditions:
PNPT1-related disorder. Also called: PNPT1-related disorders; PNPT1-related condition.

gnomAD v4.1: 6 of 1,585,924 alleles (0.00038%); highest among the groups gnomAD compares: African/African-American, 0.0068%; no homozygotes.

Submission:

PreventionGenetics, part of Exact Sciences
Classification: Likely benign for PNPT1-related condition. Last evaluated: 2025-02-12. Review status: criteria provided, single submitter. Criteria: ACMG Guidelines, 2015. Collection method: clinical testing. Allele origin: germline.
Comment: This variant is classified as likely benign based on ACMG/AMP sequence variant interpretation guidelines (Richards et al. 2015 PMID: 25741868, with internal and published modifications).

NM_033109.5(PNPT1):c.1248-9T>C

Gene: PNPT1 (polyribonucleotide nucleotidyltransferase 1; minus strand). Cytogenetic location: 2p16.1.
Variant type: single nucleotide variant.
Coding change: c.1248-9T>C on transcript NM_033109.5 (MANE Select); 9 bases into the intron before coding-DNA position 1248, T replaced by C.
Molecular consequence: intron variant.
Genome position (GRCh38, 1-based): chr2:55,660,202, A>G on the plus strand (T>C on the coding strand, the complement: PNPT1 is on the minus strand). VCF-style: chr2-55660202-A-G. GRCh37 (hg19) VCF-style: chr2-55887337-A-G.
Identifiers: ClinVar variation 4982814 (VCV004982814.1).